The following is an entry in ClinVar:

ClinVar aggregate classification (germline): Uncertain significance (1 of 4 stars; one submission).

Submission:

Labcorp Genetics (formerly Invitae), Labcorp
Classification: Uncertain significance. Last evaluated: 2025-04-28. Review status: criteria provided, single submitter. Criteria: Invitae Variant Classification Sherloc (09022015). Collection method: clinical testing. Allele origin: germline.
Comment: This sequence change replaces glutamine, which is neutral and polar, with histidine, which is basic and polar, at codon 1956 of the TCF20 protein (p.Gln1956His). This variant is not present in population databases (gnomAD no frequency). This variant has not been reported in the literature in individuals affected with TCF20-related conditions. An algorithm developed to predict the effect of missense changes on protein structure and function (PolyPhen-2) suggests that this variant is likely to be disruptive. In summary, the available evidence is currently insufficient to determine the role of this variant in disease. Therefore, it has been classified as a Variant of Uncertain Significance.

NM_001378418.1(TCF20):c.5868G>T (p.Gln1956His)

Gene: TCF20 (transcription factor 20; minus strand). Cytogenetic location: 22q13.2.
Variant type: single nucleotide variant.
Coding change: c.5868G>T on transcript NM_001378418.1 (MANE Select); coding-DNA position 5868, G replaced by T.
Protein change: p.Gln1956His; replaces glutamine 1956 with histidine.
Molecular consequence: missense variant. On other transcripts: intron variant (1).
Genome position (GRCh38, 1-based): chr22:42,168,668, C>A on the plus strand (G>T on the coding strand, the complement: TCF20 is on the minus strand). VCF-style: chr22-42168668-C-A. GRCh37 (hg19) VCF-style: chr22-42564674-C-A.
Other names: c.5868G>T, p.Gln1956His (NM_005650.4); c.5799+1179G>T (NM_181492.3); short protein forms Q1956H.
Identifiers: ClinVar variation 4718451 (VCV004718451.1).